The following is an entry in ClinVar:

NM_018972.4(GDAP1):c.980G>A (p.Gly327Asp)

Gene: GDAP1 (ganglioside induced differentiation associated protein 1; plus strand). Cytogenetic location: 8q21.11.
Variant type: single nucleotide variant.
Coding change: c.980G>A on transcript NM_018972.4 (MANE Select); coding-DNA position 980, G replaced by A.
Protein change: p.Gly327Asp; replaces glycine 327 with aspartic acid.
Molecular consequence: missense variant. On other transcripts: intron variant (1).
Genome position (GRCh38, 1-based): chr8:74,364,270, G>A. VCF-style: chr8-74364270-G-A. GRCh37 (hg19) VCF-style: chr8-75276505-G-A.
Other names: c.776G>A, p.Gly259Asp (NM_001040875.4); c.653G>A, p.Gly218Asp (NM_001362929.2, NM_001362932.2); c.806G>A, p.Gly269Asp (NM_001362930.2); c.694+1217G>A (NM_001362931.2); short protein forms G327D, G218D, G259D, G269D.
Identifiers: ClinVar variation 40049 (VCV000040049.14), dbSNP rs397515432, ClinGen allele CA130724.

ClinVar aggregate classification (germline): Pathogenic/Likely pathogenic. Review status: criteria provided, multiple submitters, no conflicts (2 of 4 stars). 6 submissions from 6 submitters: Pathogenic (1); Likely pathogenic (3). 2 of the submissions do not count toward it. Last evaluated 2024-04-13.

Conditions:
GDAP1-related disorder. Also called: GDAP1-related condition; GDAP1-related disorders.
Charcot-Marie-Tooth disease, axonal, with vocal cord paresis, autosomal recessive. Also called: CHARCOT-MARIE-TOOTH DISEASE, TYPE 4A, AXONAL FORM; CHARCOT-MARIE-TOOTH NEUROPATHY, AXONAL, WITH VOCAL CORD PARESIS, AUTOSOMAL RECESSIVE; CMT2 WITH VOCAL CORD PARESIS, AUTOSOMAL RECESSIVE. Identifiers: Orphanet 101097, MedGen C1843183, MONDO:0011898, OMIM 607706.
Charcot-Marie-Tooth disease type 4A. Also called: Charcot-Marie-Tooth disease, demyelinating, autosomal recessive, type 4a. Identifiers: Orphanet 99948, MedGen C1859198, MONDO:0008961, OMIM 214400.
Charcot-Marie-Tooth disease axonal type 2K (CMT2K). Also called: CHARCOT-MARIE-TOOTH DISEASE, AXONAL, AUTOSOMAL RECESSIVE, TYPE 2K; CHARCOT-MARIE-TOOTH NEUROPATHY, AXONAL, TYPE 2K; Charcot-Marie-Tooth disease type 2K. Identifiers: Orphanet 101097, Orphanet 99944, MedGen C1842983, MONDO:0011916, OMIM 607831.
Charcot-Marie-Tooth disease recessive intermediate A (CMTRIA). Also called: CHARCOT-MARIE-TOOTH NEUROPATHY, RECESSIVE INTERMEDIATE A. Identifiers: Orphanet 217055, MedGen C1842197, MONDO:0012014, OMIM 608340.

Allele frequency attached by ClinVar (database versions not stated): gnomAD exomes below 0.00001.
gnomAD v4.1: 3 of 1,614,226 alleles (0.00019%); highest among the groups gnomAD compares: Non-Finnish European, 0.000085%; no homozygotes.

Submissions (6):

Fulgent Genetics
Classification: Likely pathogenic for Charcot-Marie-Tooth disease type 4A; Charcot-Marie-Tooth disease, axonal, with vocal cord paresis, autosomal recessive; Charcot-Marie-Tooth disease axonal type 2K; Charcot-Marie-Tooth disease recessive intermediate A. Last evaluated: 2024-04-13. Review status: criteria provided, single submitter. Criteria: ACMG Guidelines, 2015. Collection method: clinical testing. Allele origin: germline.

Blueprint Genetics
Classification: Likely pathogenic for GDAP1-related disorders. Last evaluated: 2024-01-31. Review status: criteria provided, single submitter. Criteria: ACMG Guidelines, 2015. Collection method: clinical testing. Allele origin: germline. Affected: yes. Observed: 1 variant allele.

Labcorp Genetics (formerly Invitae), Labcorp
Classification: Pathogenic for Charcot-Marie-Tooth disease type 4A. Last evaluated: 2023-11-17. Review status: criteria provided, single submitter. Criteria: Invitae Variant Classification Sherloc (09022015). Collection method: clinical testing. Allele origin: germline.
Comment: This sequence change replaces glycine, which is neutral and non-polar, with aspartic acid, which is acidic and polar, at codon 327 of the GDAP1 protein (p.Gly327Asp). This variant is not present in population databases (gnomAD no frequency). This missense change has been observed in individuals with autosomal recessive Charcot-Marie-Tooth disease (PMID: 21365284, 32376792; Invitae). It has also been observed to segregate with disease in related individuals. ClinVar contains an entry for this variant (Variation ID: 40049). An algorithm developed to predict the effect of missense changes on protein structure and function (PolyPhen-2) suggests that this variant is likely to be disruptive. Experimental studies have shown that this missense change affects GDAP1 function (PMID: 21365284, 33477664). For these reasons, this variant has been classified as Pathogenic.

3billion
Classification: Likely pathogenic for Charcot-Marie-Tooth disease, axonal, with vocal cord paresis, autosomal recessive. Last evaluated: 2023-02-23. Review status: criteria provided, single submitter. Criteria: ACMG Guidelines, 2015. Collection method: clinical testing. Allele origin: unknown. Affected: yes.
Comment: The variant is not observed in the gnomAD v2.1.1 dataset. Functional studies provide strong evidence of the variant having a damaging effect on the gene or gene product (PMID: 21365284). In silico tool predictions suggest damaging effect of the variant on gene or gene product (REVEL: 0.83; 3Cnet: 0.73). Same nucleotide change resulting in same amino acid change has been previously reported to be associated with GDAP1-related disorder (ClinVar ID: VCV000040049 / PMID: 21365284). Therefore, this variant is classified as Likely pathogenic according to the recommendation of ACMG/AMP guideline.

Inherited Neuropathy Consortium Ii, University Of Miami
Classification: Uncertain significance for Charcot-Marie-Tooth disease axonal type 2K. Last evaluated: 2016-01-06. Review status: no assertion criteria provided. Collection method: literature only. Allele origin: germline. Affected: yes. Not counted in ClinVar's aggregate classification.

OMIM
Classification: Pathogenic for CHARCOT-MARIE-TOOTH DISEASE, RECESSIVE INTERMEDIATE A. Last evaluated: 2011-05-01. Review status: no assertion criteria provided. Collection method: literature only. Allele origin: germline. Not counted in ClinVar's aggregate classification.

Literature cited by the submitters: PubMed 21365284 (cited by 4 submitters); PubMed 32376792 (cited by Labcorp Genetics (formerly Invitae), Labcorp); PubMed 33477664 (cited by Labcorp Genetics (formerly Invitae), Labcorp).